The following is an entry in ClinVar:

ClinVar aggregate classification (germline): Uncertain significance (1 of 4 stars; one submission).

Submission:

Mayo Clinic Laboratories, Mayo Clinic
Classification: Uncertain significance. Last evaluated: 2024-08-13. Review status: criteria provided, single submitter. Criteria: ACMG Guidelines, 2015. Collection method: clinical testing. Allele origin: germline. Observed: 1 variant allele.
Comment: PM2

NM_000552.5(VWF):c.2941T>C (p.Ser981Pro)

Gene: VWF (von Willebrand factor; minus strand). Cytogenetic location: 12p13.31.
Variant type: single nucleotide variant.
Coding change: c.2941T>C on transcript NM_000552.5 (MANE Select); coding-DNA position 2941, T replaced by C.
Protein change: p.Ser981Pro; replaces serine 981 with proline.
Molecular consequence: missense variant.
Genome position (GRCh38, 1-based): chr12:6,029,368, A>G on the plus strand (T>C on the coding strand, the complement: VWF is on the minus strand). VCF-style: chr12-6029368-A-G. GRCh37 (hg19) VCF-style: chr12-6138534-A-G.
Other names: p.Ser981Pro; short protein forms S981P.
Identifiers: ClinVar variation 3380075 (VCV003380075.1).